The following is an entry in ClinVar:

NM_000535.7(PMS2):c.166C>G (p.Leu56Val)

Gene: PMS2 (PMS1 homolog 2, mismatch repair system component; minus strand). Cytogenetic location: 7p22.1.
Variant type: single nucleotide variant.
Coding change: c.166C>G on transcript NM_000535.7 (MANE Select); coding-DNA position 166, C replaced by G.
Protein change: p.Leu56Val; replaces leucine 56 with valine.
Molecular consequence: missense variant. On other transcripts: 5 prime UTR variant (11), non-coding transcript variant (1).
Genome position (GRCh38, 1-based): chr7:6,004,056, G>C on the plus strand (C>G on the coding strand, the complement: PMS2 is on the minus strand). VCF-style: chr7-6004056-G-C. GRCh37 (hg19) VCF-style: chr7-6043687-G-C.
Other names: p.L56V:CTA>GTA; c.-240C>G (NM_001322003.2, NM_001322004.2, NM_001322005.2 and 3 more transcripts); c.166C>G, p.Leu56Val (NM_001322006.2, NM_001322014.2); c.-50C>G (NM_001322007.2, NM_001322008.2); c.-719C>G (NM_001322011.2, NM_001322012.2); c.-319C>G (NM_001322015.2); short protein forms L56V.
Identifiers: ClinVar variation 127765 (VCV000127765.44), dbSNP rs371011390, ClinGen allele CA010017.

ClinVar aggregate classification (germline): Benign/Likely benign. Review status: criteria provided, multiple submitters, no conflicts (2 of 4 stars). 17 submissions from 17 submitters: Benign (4); Likely benign (11). 2 of the submissions do not count toward it. Last evaluated 2026-01-31.

Conditions:
PMS2-related disorder. Also called: PMS2-related condition.
Hereditary nonpolyposis colorectal neoplasms. Identifiers: MedGen C0009405, MeSH D003123.
Hereditary cancer-predisposing syndrome. Also called: Hereditary neoplastic syndrome; Tumor predisposition; Neoplastic Syndromes, Hereditary; Hereditary Cancer Syndrome. Identifiers: Orphanet 140162, MedGen C0027672, MeSH D009386, MONDO:0015356.
Ovarian cancer. Also called: OVARIAN CANCER, SOMATIC. Identifiers: Orphanet 213500, MedGen C1140680, MONDO:0008170, OMIM 167000.
Lynch syndrome 4 (LYNCH4). Also called: Hereditary non-polyposis colorectal cancer, type 4; Colorectal cancer, hereditary nonpolyposis, type 4. Identifiers: Orphanet 144, MedGen C1838333, MONDO:0013699, OMIM 614337. Disease mechanism: loss of function.

Allele frequency attached by ClinVar (database versions not stated): ExAC 0.00004; gnomAD 0.00004 and 0.00005; TOPMed 0.00006.
gnomAD v4.1: 49 of 1,527,534 alleles (0.0032%); highest among the groups gnomAD compares: East Asian, 0.027%; no homozygotes.

Submissions (17):

Labcorp Genetics (formerly Invitae), Labcorp
Classification: Benign for Hereditary nonpolyposis colorectal neoplasms. Last evaluated: 2026-01-31. Review status: criteria provided, single submitter. Criteria: Invitae Variant Classification Sherloc (09022015). Collection method: clinical testing. Allele origin: germline.

Mayo Clinic Laboratories, Mayo Clinic
Classification: Likely benign. Last evaluated: 2025-10-15. Review status: criteria provided, single submitter. Criteria: ACMG Guidelines, 2015. Collection method: clinical testing. Allele origin: germline. Observed: 1 variant allele.
Comment: BS1, BP4

Quest Diagnostics Nichols Institute San Juan Capistrano
Classification: Likely benign. Last evaluated: 2025-10-09. Review status: criteria provided, single submitter. Criteria: Quest Diagnostics criteria. Collection method: clinical testing. Allele origin: unknown.

Institute for Biomarker Research, Medical Diagnostic Laboratories, L.L.C.
Classification: Likely benign for Hereditary cancer-predisposing syndrome. Last evaluated: 2025-08-27. Review status: criteria provided, single submitter. Criteria: ACMG Guidelines, 2015. Collection method: clinical testing. Allele origin: germline.
Comment: The missense variant NM_001322014.2(PMS2):c.166C>G (p.Leu56Val) has been reported to ClinVar as Benign/Likely benign with a status of (2 stars) criteria provided, multiple submitters, no conflicts (Variation ID 127765 as of 2025-08-07). There is a small physicochemical difference between leucine and valine, which is not likely to impact secondary protein structure as these residues share similar properties. The p.Leu56Val variant is not predicted to disrupt the existing acceptor splice site 3bp upstream by any splice site algorithm. The p.Leu56Val missense variant is predicted to be tolerated by both SIFT or PolyPhen2. For these reasons, this variant has been classified as Likely Benign.

Center for Genomic Medicine, Rigshospitalet, Copenhagen University Hospital
Classification: Likely benign. Last evaluated: 2025-03-04. Review status: criteria provided, single submitter. Criteria: ACMG Guidelines, 2015. Collection method: clinical testing. Allele origin: germline.

Blueprint Genetics
Classification: Likely benign. Last evaluated: 2024-11-25. Review status: criteria provided, single submitter. Criteria: ACMG Guidelines, 2015. Collection method: clinical testing. Allele origin: germline.

Color Diagnostics, LLC DBA Color Health
Classification: Benign for Hereditary cancer-predisposing syndrome. Last evaluated: 2024-10-17. Review status: criteria provided, single submitter. Criteria: ACMG Guidelines, 2015. Collection method: clinical testing. Allele origin: germline.

Molecular Pathology, Peter Maccallum Cancer Centre
Classification: Likely benign for Lynch syndrome 4. Last evaluated: 2024-06-20. Review status: criteria provided, single submitter. Criteria: ACMG Guidelines, 2015. Collection method: clinical testing. Allele origin: germline. Inheritance: Autosomal dominant inheritance.

Women's Health and Genetics/Laboratory Corporation of America, LabCorp
Classification: Benign. Last evaluated: 2024-04-29. Review status: criteria provided, single submitter. Criteria: LabCorp Variant Classification Summary - May 2015. Collection method: clinical testing. Allele origin: germline.
Comment: Variant summary: PMS2 c.166C>G (p.Leu56Val) results in a conservative amino acid change located in the DNA mismatch repair protein family, N-terminal domain (IPR002099) of the encoded protein sequence. Four of five in-silico tools predict a benign effect of the variant on protein function. Consensus agreement among computation tools predict no significant impact on normal splicing. However, these predictions have yet to be confirmed by functional studies. The variant allele was found at a frequency of 3.3e-05 in 1528896 control chromosomes, predominantly at a frequency of 0.00042 within the East Asian subpopulation in the gnomAD database. The observed variant frequency within East Asian control individuals in the gnomAD database is approximately 5.9 fold of the estimated maximal expected allele frequency for a pathogenic variant in PMS2 causing Hereditary Nonpolyposis Colorectal Cancer/Lynch Syndrome phenotype (7.1e-05), strongly suggesting that the variant is a benign polymorphism found primarily in populations of East Asian origin. c.166C>G has been reported in the literature in individuals who had a personal- and/or family history of colorectal cancer (Jiang_2019, Li_2019, Jiang_2020) or other tumor or cancer phenotypes (e.g. Mu_2016, Maxwell_2014, Pannuti_2018, Chan_2018, Wu_2021), but was also found in healthy controls (Bodian_2014). These report(s) do not provide unequivocal conclusions about association of the variant with Hereditary Nonpolyposis Colorectal Cancer/Lynch Syndrome. To our knowledge, no experimental evidence demonstrating an impact on protein function has been reported. The following publications have been ascertained in the context of this evaluation (PMID: 24728327, 30093976, 32914570, 30521064, 30166348, 31391288, 25503501, 27720647, 29570743, 34350294). ClinVar contains an entry for this variant (Variation ID: 127765). Based on the evidence outlined above, the variant was classified as benign.

Department of Pathology and Laboratory Medicine, Sinai Health System
Classification: Likely benign for Lynch syndrome 4. Last evaluated: 2024-01-22. Review status: criteria provided, single submitter. Criteria: ACMG Guidelines, 2015. Collection method: clinical testing. Allele origin: germline. Affected: yes.

Myriad Genetics, Inc.
Classification: Likely benign for Lynch syndrome 4. Last evaluated: 2023-06-09. Review status: criteria provided, single submitter. Criteria: Myriad Autosomal Dominant, Autosomal Recessive and X-Linked Classification Criteria (2023). Collection method: clinical testing. Allele origin: unknown.
Comment: This variant is considered likely benign. Homozygosity for this variant has been confirmed in one or more individuals lacking clinical features consistent with gene-specific recessive disease, indicating that this variant is unlikely to be pathogenic.

Sema4
Classification: Likely benign for Hereditary cancer-predisposing syndrome. Last evaluated: 2022-01-24. Review status: criteria provided, single submitter. Criteria: Sema4 Curation Guidelines. Collection method: curation. Allele origin: germline.

Laboratory of Molecular Epidemiology of Birth Defects, West China Second University Hospital, Sichuan University
Classification: Benign for Ovarian cancer. Last evaluated: 2022-01-01. Review status: criteria provided, single submitter. Criteria: ACMG Guidelines, 2015. Collection method: clinical testing. Allele origin: germline. Affected: yes.

Ambry Genetics
Classification: Likely benign for Hereditary cancer-predisposing syndrome. Last evaluated: 2020-06-09. Review status: criteria provided, single submitter. Criteria: Ambry Variant Classification Scheme 2023. Collection method: clinical testing. Allele origin: germline.

GeneDx
Classification: Likely benign. Last evaluated: 2019-09-26. Review status: criteria provided, single submitter. Criteria: GeneDx Variant Classification Process June 2021. Collection method: clinical testing. Allele origin: germline. Affected: yes.
Comment: This variant is associated with the following publications: (PMID: 25503501, 24728327, 27720647, 30521064)

PreventionGenetics, part of Exact Sciences
Classification: Likely benign for PMS2-related condition. Last evaluated: 2024-08-28. Review status: no assertion criteria provided. Collection method: clinical testing. Allele origin: germline. Not counted in ClinVar's aggregate classification.
Comment: This variant is classified as likely benign based on ACMG/AMP sequence variant interpretation guidelines (Richards et al. 2015 PMID: 25741868, with internal and published modifications).

ITMI
No classification provided. Condition: AllHighlyPenetrant. Last evaluated: 2013-09-19. Review status: no classification provided. Collection method: reference population. Allele origin: germline. Not counted in ClinVar's aggregate classification.
Comment: Please see associated publication for description of ethnicities

Literature cited by the submitters: PubMed 30521064 (cited by 5 submitters); PubMed 34350294 (cited by Quest Diagnostics Nichols Institute San Juan Capistrano and Women's Health and Genetics/Laboratory Corporation of America, LabCorp); PubMed 36243179 (cited by Quest Diagnostics Nichols Institute San Juan Capistrano); PubMed 32980694 (cited by Quest Diagnostics Nichols Institute San Juan Capistrano and Sema4); PubMed 25503501 (cited by 5 submitters); PubMed 24728327 (cited by 6 submitters); PubMed 33471991 (cited by 3 submitters); PubMed 32914570 (cited by Quest Diagnostics Nichols Institute San Juan Capistrano and Women's Health and Genetics/Laboratory Corporation of America, LabCorp); PubMed 31391288 (cited by 4 submitters); PubMed 30093976 (cited by 4 submitters); PubMed 38981878 (cited by Quest Diagnostics Nichols Institute San Juan Capistrano); PubMed 38509102 (cited by Quest Diagnostics Nichols Institute San Juan Capistrano); PubMed 27720647 (cited by Women's Health and Genetics/Laboratory Corporation of America, LabCorp and Sema4); PubMed 29570743 (cited by Women's Health and Genetics/Laboratory Corporation of America, LabCorp); PubMed 30166348 (cited by Women's Health and Genetics/Laboratory Corporation of America, LabCorp).